The following is an entry in ClinVar:

NM_001543.5(NDST1):c.766G>A (p.Ala256Thr)

Gene: NDST1 (N-deacetylase and N-sulfotransferase 1; plus strand). Cytogenetic location: 5q33.1.
Variant type: single nucleotide variant.
Coding change: c.766G>A on transcript NM_001543.5 (MANE Select); coding-DNA position 766, G replaced by A.
Protein change: p.Ala256Thr; replaces alanine 256 with threonine.
Molecular consequence: missense variant.
Genome position (GRCh38, 1-based): chr5:150,528,056, G>A. VCF-style: chr5-150528056-G-A. GRCh37 (hg19) VCF-style: chr5-149907618-G-A.
Other names: c.766G>A, p.Ala256Thr (NM_001301063.2); short protein forms A256T.
Identifiers: ClinVar variation 2553227 (VCV002553227.3), dbSNP rs141266229, ClinGen allele CA3512483.
Genomic context (GRCh38, chr5:150,528,056, plus strand): 5'-GAGCCAGTGCTGCTGGCCAAGACGCGCTCGTCTGAGTCCATCCCACACCTGGGCGCAGAC[G>A]CCGGCCTGCATGCTGCACTGCACGCCACTGTGGTCCAGGACCTGGGCCTGCACGACGGCA-3'
Protein context (NP_001534.1, residues 246-266): SESIPHLGAD[Ala256Thr]GLHAALHATV

ClinVar aggregate classification (germline): Uncertain significance. Review status: criteria provided, multiple submitters, no conflicts (2 of 4 stars). 2 submissions from 2 submitters: Uncertain significance (2). Last evaluated 2023-05-31.

Conditions:
Inborn genetic diseases. Identifiers: MedGen C0950123, MeSH D030342.

Allele frequency attached by ClinVar (database versions not stated): gnomAD exomes below 0.00001; TOPMed below 0.00001; ExAC 0.00001; gnomAD 0.00001; ESP Exome Variant Server 0.00008.
gnomAD v4.1: 7 of 1,613,442 alleles (0.00043%); highest among the groups gnomAD compares: African/African-American, 0.0027%; no homozygotes.

Submissions (2):

Ambry Genetics
Classification: Uncertain significance for Inborn genetic diseases. Last evaluated: 2023-05-31. Review status: criteria provided, single submitter. Criteria: Ambry Variant Classification Scheme 2023. Collection method: clinical testing. Allele origin: germline.

GeneDx
Classification: Uncertain significance. Last evaluated: 2023-04-17. Review status: criteria provided, single submitter. Criteria: GeneDx Variant Classification Process June 2021. Collection method: clinical testing. Allele origin: germline. Affected: yes.
Comment: In silico analysis supports that this missense variant does not alter protein structure/function; Has not been previously published as pathogenic or benign to our knowledge